The following is an entry in ClinVar:

ClinVar aggregate classification (germline): Likely pathogenic (1 of 4 stars; one submission).

Conditions:
Congenital afibrinogenemia. Identifiers: Orphanet 335, Orphanet 98880, MedGen C2584774, MONDO:0008737, OMIM 202400.
Familial dysfibrinogenemia. Also called: Dysfibrinogenemia, congenital. Identifiers: Orphanet 335, Orphanet 98881, MedGen C0272350, MONDO:0014452, OMIM 616004.

Submission:

Juno Genomics, Hangzhou Juno Genomics, Inc
Classification: Likely pathogenic for Congenital afibrinogenemia; Familial dysfibrinogenemia. Review status: criteria provided, single submitter. Criteria: ACMG Guidelines, 2015. Collection method: clinical testing. Allele origin: germline.
Comment: Null variant in a gene where loss of function (LOF) is a known mechanism of disease.;Absent from controls (or at extremely low frequency if recessive) in Genome Aggregation Database.

NM_021870.3(FGG):c.667-5_667-2del

Gene: FGG (fibrinogen gamma chain; minus strand). Cytogenetic location: 4q32.1.
Variant type: Deletion.
Coding change: c.667-5_667-2del on transcript NM_021870.3 (MANE Select); 5 bases into the intron before coding-DNA position 667 through the canonical splice acceptor site of the intron before coding-DNA position 667, 4 bases deleted (ATTA; older notation c.667-5_667-2delATTA).
Molecular consequence: splice acceptor variant.
Genome position (GRCh38, 1-based): chr4:154,608,652-154,608,655, TAAT deleted on the plus strand (ATTA on the coding strand, the reverse complement: FGG is on the minus strand); deleting any 4 consecutive bases within chr4:154,608,652-154,608,657 gives the same sequence; the c. name uses the placement nearest the transcript's 3' end. VCF-style (leftmost placement, unchanged base first): chr4-154608651-CTAAT-C. GRCh37 (hg19) VCF-style: chr4-155529803-CTAAT-C.
Other names: c.667-5_667-2del (NM_000509.6).
Identifiers: ClinVar variation 5006738 (VCV005006738.2).
Genomic context (GRCh38, chr4:154,608,651, plus strand): 5'-TCCAAATCCTTCTTTATATTGAATCCAGTTTTTCTTGAAATCTACACTGCCATCAAGTCT[CTAAT>C]TACACATTTGCAAGAGCAAAAGGAGAAAATAGACTATCAATGCATGTAAAGAGAATGCTG-3'